The following is an entry in ClinVar:

NM_002047.4(GARS1):c.637C>T (p.Arg213Cys)

Gene: GARS1 (glycyl-tRNA synthetase 1; plus strand). Cytogenetic location: 7p14.3.
Variant type: single nucleotide variant.
Coding change: c.637C>T on transcript NM_002047.4 (MANE Select); coding-DNA position 637, C replaced by T.
Protein change: p.Arg213Cys; replaces arginine 213 with cysteine.
Molecular consequence: missense variant.
Genome position (GRCh38, 1-based): chr7:30,603,101, C>T. VCF-style: chr7-30603101-C-T. GRCh37 (hg19) VCF-style: chr7-30642717-C-T.
Other names: c.475C>T, p.Arg159Cys (NM_001316772.1); short protein forms R159C, R213C.
Identifiers: ClinVar variation 1680907 (VCV001680907.10), dbSNP rs769780656, ClinGen allele CA4205761.

ClinVar aggregate classification (germline): Uncertain significance. Review status: criteria provided, multiple submitters, no conflicts (2 of 4 stars). 2 submissions from 2 submitters: Uncertain significance (2). Last evaluated 2025-03-27.

Conditions:
Charcot-Marie-Tooth disease type 2. Also called: Charcot-Marie-Tooth type 2. Identifiers: Orphanet 64746, MedGen C0270914, MONDO:0018993.

Allele frequency attached by ClinVar (database versions not stated): ExAC 0.00002; gnomAD exomes 0.00001 and 0.00002; TOPMed 0.00001.
gnomAD v4.1: 13 of 1,613,664 alleles (0.00081%); highest among the groups gnomAD compares: East Asian, 0.0067%; no homozygotes.

Submissions (2):

GeneDx
Classification: Uncertain significance. Last evaluated: 2025-03-27. Review status: criteria provided, single submitter. Criteria: GeneDx Variant Classification Process June 2021. Collection method: clinical testing. Allele origin: germline. Affected: yes.
Comment: Reported in association with Charcot-Marie-Tooth disease; however, detailed clinical information was not provided (PMID: 34255403); In silico analysis supports that this missense variant has a deleterious effect on protein structure/function; This variant is associated with the following publications: (PMID: 26503042, 26138142, 25168514, 34255403)

Labcorp Genetics (formerly Invitae), Labcorp
Classification: Uncertain significance for Charcot-Marie-Tooth disease type 2. Last evaluated: 2022-08-24. Review status: criteria provided, single submitter. Criteria: Invitae Variant Classification Sherloc (09022015). Collection method: clinical testing. Allele origin: germline.
Comment: This sequence change replaces arginine, which is basic and polar, with cysteine, which is neutral and slightly polar, at codon 213 of the GARS protein (p.Arg213Cys). This variant is present in population databases (rs769780656, gnomAD 0.03%). This variant has not been reported in the literature in individuals affected with GARS-related conditions. ClinVar contains an entry for this variant (Variation ID: 1680907). Algorithms developed to predict the effect of missense changes on protein structure and function (SIFT, PolyPhen-2, Align-GVGD) all suggest that this variant is likely to be disruptive. In summary, the available evidence is currently insufficient to determine the role of this variant in disease. Therefore, it has been classified as a Variant of Uncertain Significance.